The following is an entry in ClinVar:

ClinVar aggregate classification (germline): Pathogenic (1 of 4 stars; one submission).

Conditions:
Hereditary cancer-predisposing syndrome. Also called: Hereditary Cancer Syndrome; Neoplastic Syndromes, Hereditary; Tumor predisposition; Hereditary neoplastic syndrome. Identifiers: Orphanet 140162, MedGen C0027672, MeSH D009386, MONDO:0015356.

Submission:

Color Diagnostics, LLC DBA Color Health
Classification: Pathogenic for Hereditary cancer-predisposing syndrome. Last evaluated: 2020-05-04. Review status: criteria provided, single submitter. Criteria: ACMG Guidelines, 2015. Collection method: clinical testing. Allele origin: germline.
Comment: This variant deletes 2 nucleotides in exon 10 of the BRCA1 gene, creating a frameshift and premature translation stop signal. This variant is expected to result in an absent or non-functional protein product. To our knowledge, this variant has not been reported in individuals affected with hereditary cancer in the literature. This variant has not been identified in the general population by the Genome Aggregation Database (gnomAD). Loss of BRCA1 function is a known mechanism of disease. Based on the available evidence, this variant is classified as Pathogenic.

NM_007294.4(BRCA1):c.2416_2417del (p.Ala806fs)

Gene: BRCA1 (BRCA1 DNA repair associated; minus strand). Cytogenetic location: 17q21.31.
Variant type: Deletion.
Coding change: c.2416_2417del on transcript NM_007294.4 (MANE Select); coding-DNA positions 2416 to 2417, 2 bases deleted (GC; older notation c.2416_2417delGC).
Protein change: p.Ala806fs; shifts the reading frame from alanine 806.
Molecular consequence: frameshift variant. On other transcripts: intron variant (137).
Genome position (GRCh38, 1-based): chr17:43,093,114-43,093,115, GC deleted on the plus strand (GC on the coding strand, the reverse complement: BRCA1 is on the minus strand). VCF-style (leftmost placement, unchanged base first): chr17-43093113-TGC-T. GRCh37 (hg19) VCF-style: chr17-41245130-TGC-T.
Other names: c.1528_1529del, p.Ala510fs (NM_001407967.1, NM_001407966.1); c.2416_2417delGC, p.Ala806Serfs (NM_007294.3); c.2275_2276del, p.Ala759fs (NM_007297.4, NM_001407692.1, NM_001407694.1 and 29 more transcripts); c.2416_2417del, p.Ala806fs (NM_007300.4, NM_001407581.1, NM_001407582.1 and 30 more transcripts); c.646+1629_646+1630del (NM_001408458.1, NM_001408469.1, NM_001408453.1 and 11 more transcripts); c.283+1629_283+1630del (NM_001408512.1); c.406+1629_406+1630del (NM_001408510.1); c.643+1629_643+1630del (NM_001408470.1, NM_001408464.1, NM_001408468.1 and 3 more transcripts); and 42 more; short protein forms A806fs, A759fs, A678fs, A779fs, A679fs, A694fs, A718fs, A738fs.
Identifiers: ClinVar variation 491045 (VCV000491045.5), dbSNP rs1555589706, ClinGen allele CA658684089.